The following is an entry in ClinVar:

NM_000142.5(FGFR3):c.390C>A (p.Ser130=)

Gene: FGFR3 (fibroblast growth factor receptor 3; plus strand). Cytogenetic location: 4p16.3.
Variant type: single nucleotide variant.
Coding change: c.390C>A on transcript NM_000142.5 (MANE Select); coding-DNA position 390, C replaced by A.
Protein change: p.Ser130=; no amino-acid change (serine 130 retained).
Molecular consequence: synonymous variant. On other transcripts: non-coding transcript variant (1).
Genome position (GRCh38, 1-based): chr4:1,799,757, C>A. VCF-style: chr4-1799757-C-A. GRCh37 (hg19) VCF-style: chr4-1801484-C-A.
Other names: c.390C>A, p.Ser130= (NM_001163213.2, NM_001354809.2, NM_001354810.2 and 1 more transcripts).
Identifiers: ClinVar variation 4857788 (VCV004857788.1).

ClinVar aggregate classification (germline): Likely benign (1 of 4 stars; one submission).

Conditions:
FGFR3-related chondrodysplasia. Identifiers: Orphanet 93420, MedGen C5681604, MONDO:0019685.

Submission:

Genomenon, Inc
Classification: Likely benign for FGFR3-related chondrodysplasia. Last evaluated: 2026-06-23. Review status: criteria provided, single submitter. Criteria: Genomenon Sequence Variant Interpretation Standards - Updated. Collection method: curation. Allele origin: germline. Affected: no.
Comment: FGFR3 p.Ser130= (c.390C>A) is a synonymous variant that retains Serine at codon 130. This variant has been reported in the published literature (PMID:16912704). It is absent or not present at a significant frequency in gnomAD. This variant is not predicted to impact splicing. In conclusion, we classify FGFR3 p.Ser130= (c.390C>A) as a likely benign variant.

Literature cited by the submitters: PubMed 16912704.